The following is an entry in ClinVar:

ClinVar aggregate classification (germline): Uncertain significance (1 of 4 stars; one submission).

Submission:

GeneDx
Classification: Uncertain significance. Last evaluated: 2026-07-26. Review status: criteria provided, single submitter. Criteria: GeneDx Variant Classification Process June 2021. Collection method: clinical testing. Allele origin: germline.
Comment: Not observed at significant frequency in large population cohorts (gnomAD); In silico analysis supports that this missense variant has a deleterious effect on protein structure/function; Has not been previously published as pathogenic or benign to our knowledge

NM_007118.4(TRIO):c.4885G>A (p.Gly1629Arg)

Genes: TRIO (trio Rho guanine nucleotide exchange factor; plus strand), LOC126807322 (P300/CBP strongly-dependent group 1 enhancer GRCh37_chr5:14406263-14407462; plus strand). Cytogenetic location: 5p15.2.
Variant type: single nucleotide variant.
Coding change: c.4885G>A on transcript NM_007118.4 (MANE Select); coding-DNA position 4885, G replaced by A.
Protein change: p.Gly1629Arg; replaces glycine 1629 with arginine.
Molecular consequence: missense variant. On other transcripts: non-coding transcript variant (1).
Genome position (GRCh38, 1-based): chr5:14,406,598, G>A. VCF-style: chr5-14406598-G-A. GRCh37 (hg19) VCF-style: chr5-14406707-G-A.
Other names: short protein forms G1629R.
Identifiers: ClinVar variation 3372518 (VCV003372518.2).